The following is an entry in ClinVar:

NM_016222.4(DDX41):c.958A>T (p.Thr320Ser)

Gene: DDX41 (DEAD-box helicase 41; minus strand). Cytogenetic location: 5q35.3.
Variant type: single nucleotide variant.
Coding change: c.958A>T on transcript NM_016222.4 (MANE Select); coding-DNA position 958, A replaced by T.
Protein change: p.Thr320Ser; replaces threonine 320 with serine.
Molecular consequence: missense variant.
Genome position (GRCh38, 1-based): chr5:177,513,825, T>A on the plus strand (A>T on the coding strand, the complement: DDX41 is on the minus strand). VCF-style: chr5-177513825-T-A. GRCh37 (hg19) VCF-style: chr5-176940826-T-A.
Other names: c.580A>T, p.Thr194Ser (NM_001321732.2, NM_001321830.2); short protein forms T194S, T320S.
Identifiers: ClinVar variation 4617107 (VCV004617107.1).

ClinVar aggregate classification (germline): Uncertain significance (1 of 4 stars; one submission).

Conditions:
Inborn genetic diseases. Identifiers: MedGen C0950123, MeSH D030342.

gnomAD v4.1: 6 of 1,613,478 alleles (0.00037%); highest among the groups gnomAD compares: African/African-American, 0.0013%; no homozygotes.

Submission:

Ambry Genetics
Classification: Uncertain significance for Inborn genetic diseases. Last evaluated: 2025-12-03. Review status: criteria provided, single submitter. Criteria: Ambry Variant Classification Scheme 2023. Collection method: clinical testing. Allele origin: germline.
Comment: The p.T320S variant (also known as c.958A>T), located in coding exon 10 of the DDX41 gene, results from an A to T substitution at nucleotide position 958. The threonine at codon 320 is replaced by serine, an amino acid with similar properties. This amino acid position is highly conserved in available vertebrate species. In addition, the in silico prediction for this alteration is inconclusive. Based on the available evidence, the clinical significance of this variant remains unclear.